The following is an entry in ClinVar:

NM_007194.4(CHEK2):c.909-3C>T

Gene: CHEK2 (checkpoint kinase 2; minus strand). Cytogenetic location: 22q12.1.
Variant type: single nucleotide variant.
Coding change: c.909-3C>T on transcript NM_007194.4 (MANE Select); 3 bases into the intron before coding-DNA position 909, C replaced by T.
Molecular consequence: intron variant.
Genome position (GRCh38, 1-based): chr22:28,699,940, G>A on the plus strand (C>T on the coding strand, the complement: CHEK2 is on the minus strand). VCF-style: chr22-28699940-G-A. GRCh37 (hg19) VCF-style: chr22-29095928-G-A.
Other names: c.246-3C>T (NM_001437942.1, NM_001257387.3); c.708-3C>T (NM_001349956.3); c.909-3C>T (NM_145862.3); c.1002-3C>T (NM_001438295.1, NM_001438293.1); c.1038-3C>T (NM_001438294.1, NM_001005735.3).
Identifiers: ClinVar variation 569625 (VCV000569625.9), dbSNP rs1569121928, ClinGen allele CA891844295.
Genomic context (GRCh38, chr22:28,699,940, plus strand): 5'-AGCTTCTTTCAGGCGTTTATTCCCCACCACTTTGTCAAACAGCTCTCCCCCTTCCATCCT[G>A]AAACACAAAGGCAAGGCAAGGGGTTCATTCCTGGGGGAAAACGCACTTGGACAGAAGACA-3'

ClinVar aggregate classification (germline): Uncertain significance (1 of 4 stars; one submission).

Conditions:
Familial cancer of breast. Also called: hereditary breast carcinoma; BREAST CANCER, FAMILIAL; Hereditary breast cancer. Identifiers: Orphanet 227535, MedGen C0346153, MONDO:0016419, OMIM 114480. Disease mechanism: loss of function.

Submission:

Labcorp Genetics (formerly Invitae), Labcorp
Classification: Uncertain significance for Familial cancer of breast. Last evaluated: 2018-03-15. Review status: criteria provided, single submitter. Criteria: Invitae Variant Classification Sherloc (09022015). Collection method: clinical testing. Allele origin: germline.
Comment: Nucleotide substitutions within the consensus splice site are a relatively common cause of aberrant splicing (PMID: 17576681, 9536098). Algorithms developed to predict the effect of sequence changes on RNA splicing suggest that this variant is not likely to affect RNA splicing, but this prediction has not been confirmed by published transcriptional studies. In summary, the available evidence is currently insufficient to determine the role of this variant in disease. Therefore, it has been classified as a Variant of Uncertain Significance. This variant has not been reported in the literature in individuals with CHEK2-related disease. This variant is not present in population databases (ExAC no frequency). This sequence change falls in intron 8 of the CHEK2 gene. It does not directly change the encoded amino acid sequence of the CHEK2 protein, but it affects a nucleotide within the consensus splice site of the intron.

Literature cited by the submitters: PubMed 17576681; PubMed 9536098.